The following is an entry in ClinVar:

NM_000238.4(KCNH2):c.3320_3323del (p.Ser1107fs)

Gene: KCNH2 (potassium voltage-gated channel subfamily H member 2; minus strand). Cytogenetic location: 7q36.1.
Variant type: Deletion.
Coding change: c.3320_3323del on transcript NM_000238.4 (MANE Select); coding-DNA positions 3320 to 3323, 4 bases deleted (CGCT; older notation c.3320_3323delCGCT).
Protein change: p.Ser1107fs; shifts the reading frame from serine 1107.
Molecular consequence: frameshift variant. On other transcripts: non-coding transcript variant (2).
Genome position (GRCh38, 1-based): chr7:150,946,884-150,946,887, AGCG deleted on the plus strand (CGCT on the coding strand, the reverse complement: KCNH2 is on the minus strand); deleting any 4 consecutive bases within chr7:150,946,884-150,946,889 gives the same sequence; the c. name uses the placement nearest the transcript's 3' end. VCF-style (leftmost placement, unchanged base first): chr7-150946883-AAGCG-A. GRCh37 (hg19) VCF-style: chr7-150643971-AAGCG-A.
Other names: c.3032_3035del, p.Ser1011fs (NM_001406753.1); c.2300_2303del, p.Ser767fs (NM_172057.3); short protein forms S767fs, S1011fs, S1107fs.
Identifiers: ClinVar variation 4768860 (VCV004768860.1).

ClinVar aggregate classification (germline): Uncertain significance (1 of 4 stars; one submission).

Conditions:
Long QT syndrome (LQTS). Identifiers: MedGen C0023976, MeSH D008133, MONDO:0002442. Disease mechanism: loss of function. Inheritance: Various modes of inheritance.

Submission:

Labcorp Genetics (formerly Invitae), Labcorp
Classification: Uncertain significance for Long QT syndrome. Last evaluated: 2025-06-01. Review status: criteria provided, single submitter. Criteria: Invitae Variant Classification Sherloc (09022015). Collection method: clinical testing. Allele origin: germline.
Comment: This sequence change is expected to alter the c-terminus of the KCNH2 protein (p.Ser1107Phefs*147). While this is not anticipated to result in nonsense mediated decay, it is expected to disrupt the last 53 amino acid(s) of the KCNH2 protein and extend the protein by 93 additional amino acid residues. This variant is not present in population databases (gnomAD no frequency). This variant has not been reported in the literature in individuals affected with KCNH2-related conditions. In summary, the available evidence is currently insufficient to determine the role of this variant in disease. Therefore, it has been classified as a Variant of Uncertain Significance.